The following is an entry in ClinVar:

ClinVar aggregate classification (germline): Uncertain significance (1 of 4 stars; one submission).

Conditions:
Imerslund-Grasbeck syndrome. Also called: Imerslund-Gräsbeck syndrome; Megaloblastic anemia due to inborn errors of metabolism; PERNICIOUS ANEMIA, JUVENILE, DUE TO SELECTIVE INTESTINAL MALABSORPTION OF VITAMIN B12, WITH PROTEINURIA; ENTEROCYTE COBALAMIN MALABSORPTION; ENTEROCYTE INTRINSIC FACTOR RECEPTOR, DEFECT OF. Identifiers: Orphanet 35858, MedGen C4551825, MONDO:0009853.

Submission:

Labcorp Genetics (formerly Invitae), Labcorp
Classification: Uncertain significance for Imerslund-Grasbeck syndrome. Last evaluated: 2020-08-21. Review status: criteria provided, single submitter. Criteria: Invitae Variant Classification Sherloc (09022015). Collection method: clinical testing. Allele origin: germline.
Comment: This sequence change results in a premature translational stop signal in the AMN gene (p.Ser292Cysfs*123). While this is not anticipated to result in nonsense mediated decay, it is expected to disrupt the last 162 amino acids of the AMN protein. This variant is not present in population databases (ExAC no frequency). This variant has not been reported in the literature in individuals with AMN-related conditions. In summary, the available evidence is currently insufficient to determine the role of this variant in disease. Therefore, it has been classified as a Variant of Uncertain Significance.

NM_030943.4(AMN):c.873_874dup (p.Ser292fs)

Gene: AMN (amnion associated transmembrane protein; plus strand). Cytogenetic location: 14q32.32.
Variant type: Microsatellite.
Coding change: c.873_874dup on transcript NM_030943.4 (MANE Select); coding-DNA positions 873 to 874, 2 bases duplicated (GT; older notation c.873_874dupGT).
Protein change: p.Ser292fs; shifts the reading frame from serine 292.
Molecular consequence: frameshift variant.
Genome position (GRCh38, 1-based): chr14:102,929,953-102,929,954, GT duplicated; duplicating any 2 consecutive bases within chr14:102,929,951-102,929,954 gives the same sequence; the c. name uses the placement nearest the transcript's 3' end. VCF-style (leftmost placement, unchanged base first): chr14-102929950-C-CGT. GRCh37 (hg19) VCF-style: chr14-103396287-C-CGT.
Other names: short protein forms S292fs.
Identifiers: ClinVar variation 1061221 (VCV001061221.7), dbSNP rs2139311797, ClinGen allele CA2580613848.